The following is an entry in ClinVar:

NM_015474.4(SAMHD1):c.244G>A (p.Asp82Asn)

Gene: SAMHD1 (SAM and HD domain containing deoxynucleoside triphosphate triphosphohydrolase 1; minus strand). Cytogenetic location: 20q11.23.
Variant type: single nucleotide variant.
Coding change: c.244G>A on transcript NM_015474.4 (MANE Select); coding-DNA position 244, G replaced by A.
Protein change: p.Asp82Asn; replaces aspartic acid 82 with asparagine.
Molecular consequence: missense variant.
Genome position (GRCh38, 1-based): chr20:36,946,769, C>T on the plus strand (G>A on the coding strand, the complement: SAMHD1 is on the minus strand). VCF-style: chr20-36946769-C-T. GRCh37 (hg19) VCF-style: chr20-35575172-C-T.
Other names: c.244G>A, p.Asp82Asn (NM_001363729.2, NM_001363733.2); short protein forms D82N.
Identifiers: ClinVar variation 1440563 (VCV001440563.5), dbSNP rs751790128, ClinGen allele CA9844790.

ClinVar aggregate classification (germline): Uncertain significance (1 of 4 stars; one submission).

Conditions:
Aicardi-Goutieres syndrome 5. Identifiers: Orphanet 51, MedGen C2749659, MONDO:0013059, OMIM 612952.

Allele frequency attached by ClinVar (database versions not stated): gnomAD exomes 0.00001; TOPMed 0.00001; ExAC 0.00002.
gnomAD v4.1: 3 of 1,613,206 alleles (0.00019%); highest among the groups gnomAD compares: Admixed American, 0.005%; no homozygotes.

Submission:

Labcorp Genetics (formerly Invitae), Labcorp
Classification: Uncertain significance for Aicardi-Goutieres syndrome 5. Last evaluated: 2022-03-26. Review status: criteria provided, single submitter. Criteria: Invitae Variant Classification Sherloc (09022015). Collection method: clinical testing. Allele origin: germline.
Comment: This sequence change replaces aspartic acid, which is acidic and polar, with asparagine, which is neutral and polar, at codon 82 of the SAMHD1 protein (p.Asp82Asn). This variant is present in population databases (rs751790128, gnomAD 0.009%). This variant has not been reported in the literature in individuals affected with SAMHD1-related conditions. Algorithms developed to predict the effect of missense changes on protein structure and function output the following: SIFT: "Tolerated"; PolyPhen-2: "Benign"; Align-GVGD: "Class C0". The asparagine amino acid residue is found in multiple mammalian species, which suggests that this missense change does not adversely affect protein function. In summary, the available evidence is currently insufficient to determine the role of this variant in disease. Therefore, it has been classified as a Variant of Uncertain Significance.